The following is an entry in ClinVar:

ClinVar aggregate classification (germline): Pathogenic/Likely pathogenic. Review status: criteria provided, multiple submitters, no conflicts (2 of 4 stars). 2 submissions from 2 submitters: Pathogenic (1); Likely pathogenic (1). Last evaluated 2023-11-02.

Submissions (2):

GeneDx
Classification: Likely pathogenic. Last evaluated: 2023-11-02. Review status: criteria provided, single submitter. Criteria: GeneDx Variant Classification Process June 2021. Collection method: clinical testing. Allele origin: germline. Affected: yes.
Comment: Frameshift variant predicted to result in protein truncation or nonsense mediated decay in a gene for which loss of function is a known mechanism of disease; Has not been previously published as pathogenic or benign to our knowledge

Labcorp Genetics (formerly Invitae), Labcorp
Classification: Pathogenic. Last evaluated: 2023-08-16. Review status: criteria provided, single submitter. Criteria: Invitae Variant Classification Sherloc (09022015). Collection method: clinical testing. Allele origin: germline.
Comment: For these reasons, this variant has been classified as Pathogenic. ClinVar contains an entry for this variant (Variation ID: 523983). This variant has not been reported in the literature in individuals affected with MYO3A-related conditions. This variant is present in population databases (rs757660866, gnomAD 0.03%). This sequence change creates a premature translational stop signal (p.Asn1503Thrfs*31) in the MYO3A gene. It is expected to result in an absent or disrupted protein product. Loss-of-function variants in MYO3A are known to be pathogenic (PMID: 12032315, 23990876).

Literature cited by the submitters: PubMed 12032315 (cited by Labcorp Genetics (formerly Invitae), Labcorp); PubMed 23990876 (cited by Labcorp Genetics (formerly Invitae), Labcorp).

NM_017433.5(MYO3A):c.4508_4511del (p.Asn1503fs)

Gene: MYO3A (myosin IIIA; plus strand). Cytogenetic location: 10p12.1.
Variant type: Deletion.
Coding change: c.4508_4511del on transcript NM_017433.5 (MANE Select); coding-DNA positions 4508 to 4511, 4 bases deleted (ATAA; older notation c.4508_4511delATAA).
Protein change: p.Asn1503fs; shifts the reading frame from asparagine 1503.
Molecular consequence: frameshift variant.
Genome position (GRCh38, 1-based): chr10:26,193,274-26,193,277, ATAA deleted; deleting any 4 consecutive bases within chr10:26,193,271-26,193,277 gives the same sequence; the c. name uses the placement nearest the transcript's 3' end. VCF-style (leftmost placement, unchanged base first): chr10-26193270-TTAAA-T. GRCh37 (hg19) VCF-style: chr10-26482199-TTAAA-T.
Other names: c.4508_4511delATAA (NM_017433.4); c.4508_4511del (NM_017433.4); short protein forms N1503fs.
Identifiers: ClinVar variation 523983 (VCV000523983.9), dbSNP rs757660866, ClinGen allele CA5445486.
Genomic context (GRCh38, chr10:26,193,270, plus strand): 5'-TGTAAAGGAGAGGAGCCAAAAATATTGAGACCCCCAAGACGACCCCGGAAACCCAAAACA[TTAAA>T]TAACCCTGAAGACTCCACATACTATTATCTACTTCATGTAAGTGGCTCACTCTTACTATC-3'